The following is an entry in ClinVar:

NM_001276270.2(MBD4):c.1022A>G (p.Asp341Gly)

Gene: MBD4 (methyl-CpG binding domain 4, DNA glycosylase; minus strand). Cytogenetic location: 3q21.3.
Variant type: single nucleotide variant.
Coding change: c.1022A>G on transcript NM_001276270.2 (MANE Select); coding-DNA position 1022, A replaced by G.
Protein change: p.Asp341Gly; replaces aspartic acid 341 with glycine.
Molecular consequence: missense variant. On other transcripts: intron variant (1).
Genome position (GRCh38, 1-based): chr3:129,436,622, T>C on the plus strand (A>G on the coding strand, the complement: MBD4 is on the minus strand). VCF-style: chr3-129436622-T-C. GRCh37 (hg19) VCF-style: chr3-129155465-T-C.
Other names: c.1022A>G, p.Asp341Gly (NM_001276271.2, NM_001276272.2, NM_003925.3); c.247+1186A>G (NM_001276273.2); short protein forms D341G.
Identifiers: ClinVar variation 3644139 (VCV003644139.3).

ClinVar aggregate classification (germline): Uncertain significance. Review status: criteria provided, multiple submitters, no conflicts (2 of 4 stars). 2 submissions from 2 submitters: Uncertain significance (2). Last evaluated 2025-05-11.

Conditions:
Inborn genetic diseases. Identifiers: MedGen C0950123, MeSH D030342.

Submissions (2):

Ambry Genetics
Classification: Uncertain significance for Inborn genetic diseases. Last evaluated: 2025-05-11. Review status: criteria provided, single submitter. Criteria: Ambry Variant Classification Scheme 2023. Collection method: clinical testing. Allele origin: germline.
Comment: The p.D341G variant (also known as c.1022A>G), located in coding exon 3 of the MBD4 gene, results from an A to G substitution at nucleotide position 1022. The aspartic acid at codon 341 is replaced by glycine, an amino acid with similar properties. This amino acid position is conserved. In addition, this alteration is predicted to be tolerated by in silico analysis. Based on the available evidence, the clinical significance of this variant remains unclear.

Labcorp Genetics (formerly Invitae), Labcorp
Classification: Uncertain significance. Last evaluated: 2024-03-02. Review status: criteria provided, single submitter. Criteria: Invitae Variant Classification Sherloc (09022015). Collection method: clinical testing. Allele origin: germline.
Comment: This sequence change replaces aspartic acid, which is acidic and polar, with glycine, which is neutral and non-polar, at codon 341 of the MBD4 protein (p.Asp341Gly). This variant is not present in population databases (gnomAD no frequency). This variant has not been reported in the literature in individuals affected with MBD4-related conditions. Algorithms developed to predict the effect of missense changes on protein structure and function output the following: SIFT: "Not Available"; PolyPhen-2: "Benign"; Align-GVGD: "Not Available". The glycine amino acid residue is found in multiple mammalian species, which suggests that this missense change does not adversely affect protein function. In summary, the available evidence is currently insufficient to determine the role of this variant in disease. Therefore, it has been classified as a Variant of Uncertain Significance.